The following is an entry in ClinVar:

ClinVar aggregate classification (germline): Likely pathogenic (1 of 4 stars; one submission).

Conditions:
Cobalamin C disease. Also called: methylmalonic aciduria and homocystinuria type cblC; Methylmalonic aciduria with homocystinuria cblC type; Methylmalonic aciduria and homocystinuria, Vitamin B12-responsive; Vitamin B12 metabolic defect with combined deficiency of methylmalonyl-CoA mutase and homocysteine:methyltetrahydrofolate methyltransferase; Cobalamin-C methylmalonic acidemia and homocystinuria; Methylmalonic acidemia and homocystinuria cblC type. Identifiers: Orphanet 26, Orphanet 79282, MedGen C1848561, MONDO:0010184, OMIM 277400.

Submission:

Myriad Genetics, Inc.
Classification: Likely pathogenic for Cobalamin C disease. Last evaluated: 2021-11-08. Review status: criteria provided, single submitter. Criteria: Myriad Women's Health Autosomal Recessive and X-Linked Classification Criteria (2021). Collection method: clinical testing. Allele origin: unknown.
Comment: NM_015506.2(MMACHC):c.97G>T(E33*) is expected to be pathogenic in the context of methylmalonic aciduria and homocystinuria, cblC type. This variant is predicted to lead to an abnormal or absent protein product due to the creation of a premature termination codon in MMACHC, a gene where loss-of-function variants are known to be pathogenic. Please note: this variant was assessed in the context of healthy population screening.

NM_015506.3(MMACHC):c.97G>T (p.Glu33Ter)

Gene: MMACHC (metabolism of cobalamin associated C; plus strand). Cytogenetic location: 1p34.1.
Variant type: single nucleotide variant.
Coding change: c.97G>T on transcript NM_015506.3 (MANE Select); coding-DNA position 97, G replaced by T.
Protein change: p.Glu33Ter; replaces glutamic acid 33 with a stop codon.
Molecular consequence: nonsense. On other transcripts: 5 prime UTR variant (1).
Genome position (GRCh38, 1-based): chr1:45,507,371, G>T. VCF-style: chr1-45507371-G-T. GRCh37 (hg19) VCF-style: chr1-45973043-G-T.
Other names: c.-75G>T (NM_001330540.2); short protein forms E33*.
Identifiers: ClinVar variation 1724274 (VCV001724274.2), dbSNP rs2522819881, ClinGen allele CA340131384.
Genomic context (GRCh38, chr1:45,507,371, plus strand): 5'-GCCTAGACTGGCCCTCTCCAGCCTGGCCTGAACTTTCTGTTTCAGGTGGCATGGTACAAT[G>T]AACTCTTGCCTCCAGCCTTCCACCTACCGCTGCCAGGACCTACCCTGGCCTTCCTGGTAC-3'